The following is an entry in ClinVar:

NM_016247.4(IMPG2):c.1240-2A>G

Gene: IMPG2 (interphotoreceptor matrix proteoglycan 2; minus strand). Cytogenetic location: 3q12.3.
Variant type: single nucleotide variant.
Coding change: c.1240-2A>G on transcript NM_016247.4 (MANE Select); the canonical splice acceptor site of the intron before coding-DNA position 1240, A replaced by G.
Molecular consequence: splice acceptor variant.
Genome position (GRCh38, 1-based): chr3:101,246,107, T>C on the plus strand (A>G on the coding strand, the complement: IMPG2 is on the minus strand). VCF-style: chr3-101246107-T-C. GRCh37 (hg19) VCF-style: chr3-100964951-T-C.
Identifiers: ClinVar variation 931664 (VCV000931664.4), dbSNP rs1706475153, ClinGen allele CA353863100.

ClinVar aggregate classification (germline): Pathogenic/Likely pathogenic. Review status: criteria provided, multiple submitters, no conflicts (2 of 4 stars). 2 submissions from 2 submitters: Pathogenic (1); Likely pathogenic (1). Last evaluated 2023-04-06.

Conditions:
IMPG2-related disorders.
Retinitis pigmentosa 56 (RP56). Identifiers: Orphanet 791, MedGen C3150819, MONDO:0013314, OMIM 613581.

Allele frequency attached by ClinVar (database versions not stated): gnomAD exomes below 0.00001.
gnomAD v4.1: 1 of 1,612,072 alleles (0.000062%); highest among the groups gnomAD compares: Non-Finnish European, 0.000085%; no homozygotes.

Submissions (2):

Blueprint Genetics
Classification: Likely pathogenic for IMPG2-related disorders. Last evaluated: 2023-04-06. Review status: criteria provided, single submitter. Criteria: ACMG Guidelines, 2015. Collection method: clinical testing. Allele origin: germline. Affected: yes. Observed: 4 variant alleles.

Centre for Mendelian Genomics, University Medical Centre Ljubljana
Classification: Pathogenic for Retinitis pigmentosa 56. Last evaluated: 2019-08-22. Review status: criteria provided, single submitter. Criteria: ACMG Guidelines, 2015. Collection method: clinical testing. Allele origin: unknown. Affected: yes.
Comment: This variant was classified as: Pathogenic. The following ACMG criteria were applied in classifying this variant: PVS1,PM2,PP3.